The following is an entry in ClinVar:

ClinVar aggregate classification (germline): Uncertain significance (1 of 4 stars; one submission).

Conditions:
Imerslund-Grasbeck syndrome. Also called: PERNICIOUS ANEMIA, JUVENILE, DUE TO SELECTIVE INTESTINAL MALABSORPTION OF VITAMIN B12, WITH PROTEINURIA; ENTEROCYTE COBALAMIN MALABSORPTION; ENTEROCYTE INTRINSIC FACTOR RECEPTOR, DEFECT OF; Imerslund-Gräsbeck syndrome; Megaloblastic anemia due to inborn errors of metabolism. Identifiers: Orphanet 35858, MedGen C4551825, MONDO:0009853.

Allele frequency attached by ClinVar (database versions not stated): gnomAD exomes 0.00001 and 0.00002; ExAC 0.00002.
gnomAD v4.1: 17 of 1,609,800 alleles (0.0011%); highest among the groups gnomAD compares: South Asian, 0.019%; no homozygotes.

Submission:

Labcorp Genetics (formerly Invitae), Labcorp
Classification: Uncertain significance for Imerslund-Grasbeck syndrome. Last evaluated: 2021-09-02. Review status: criteria provided, single submitter. Criteria: Invitae Variant Classification Sherloc (09022015). Collection method: clinical testing. Allele origin: germline.
Comment: This sequence change replaces glycine with arginine at codon 3152 of the CUBN protein (p.Gly3152Arg). The glycine residue is highly conserved and there is a moderate physicochemical difference between glycine and arginine. This variant also falls at the last nucleotide of exon 59, which is part of the consensus splice site for this exon. This variant is present in population databases (rs772196844, ExAC 0.02%). This variant has not been reported in the literature in individuals affected with CUBN-related conditions. Algorithms developed to predict the effect of missense changes on protein structure and function are either unavailable or do not agree on the potential impact of this missense change (SIFT: "Deleterious"; PolyPhen-2: "Benign"; Align-GVGD: "Class C15"). Variants that disrupt the consensus splice site are a relatively common cause of aberrant splicing (PMID: 17576681, 9536098). Algorithms developed to predict the effect of sequence changes on RNA splicing suggest that this variant may disrupt the consensus splice site. In summary, the available evidence is currently insufficient to determine the role of this variant in disease. Therefore, it has been classified as a Variant of Uncertain Significance.

Literature cited by the submitters: PubMed 17576681; PubMed 9536098.

NM_001081.4(CUBN):c.9454G>A (p.Gly3152Arg)

Gene: CUBN (cubilin; minus strand). Cytogenetic location: 10p13.
Variant type: single nucleotide variant.
Coding change: c.9454G>A on transcript NM_001081.4 (MANE Select); coding-DNA position 9454, G replaced by A.
Protein change: p.Gly3152Arg; replaces glycine 3152 with arginine.
Molecular consequence: missense variant.
Genome position (GRCh38, 1-based): chr10:16,869,636, C>T on the plus strand (G>A on the coding strand, the complement: CUBN is on the minus strand). VCF-style: chr10-16869636-C-T. GRCh37 (hg19) VCF-style: chr10-16911635-C-T.
Other names: short protein forms G3152R.
Identifiers: ClinVar variation 838826 (VCV000838826.7), dbSNP rs772196844, ClinGen allele CA5422710.
Genomic context (GRCh38, chr10:16,869,636, plus strand): 5'-TTAAATAAAGCAGAAAGGTAACAGTCCTGACAAATAGATTTACAAGTCCAGAATTCTTAC[C>T]CAATGTCTGCCGGAAAGACATCTTCCAGCCTTTTGCTGTCTGAAATGAATCTGTCTTGAA-3'
Protein context (NP_001072.2, residues 3142-3162): GWKMSFRQTL[Gly3152Arg]PQQGCGGYLT